The following is an entry in ClinVar:

ClinVar aggregate classification (germline): Benign (1 of 4 stars; one submission).

Conditions:
Frontotemporal dementia and/or amyotrophic lateral sclerosis 1 (FTDALS1). Also called: Frontotemporal dementia with motor neuron disease 1; C9orf72 Frontotemporal Dementia and/or Amyotrophic Lateral Sclerosis. Identifiers: Orphanet 275872, MedGen C5779877, MONDO:0007105, OMIM 105550.

Allele frequency attached by ClinVar (database versions not stated): gnomAD 0.00084 and 0.00193; TOPMed 0.00105; 1000 Genomes Project 30x 0.00687; 1000 Genomes Project 0.00719.

Submission:

Illumina Laboratory Services, Illumina
Classification: Benign for Frontotemporal dementia and/or amyotrophic lateral sclerosis 1. Last evaluated: 2018-01-13. Review status: criteria provided, single submitter. Criteria: ICSL Variant Classification Criteria 13 December 2019. Collection method: clinical testing. Allele origin: germline.
Comment: This variant was observed in the ICSL laboratory as part of a predisposition screen in an ostensibly healthy population. It had not been previously curated by ICSL or reported in the Human Gene Mutation Database (HGMD: prior to June 1st, 2018), and was therefore a candidate for classification through an automated scoring system. Utilizing variant allele frequency, disease prevalence and penetrance estimates, and inheritance mode, an automated score was calculated to assess if this variant is too frequent to cause the disease. Based on the score and internal cut-off values, a variant classified as benign is not then subjected to further curation. The score for this variant resulted in a classification of benign for this disease.

NM_018325.5(C9orf72):c.*1024A>G

Gene: C9orf72 (C9orf72-SMCR8 complex subunit; minus strand). Cytogenetic location: 9p21.2.
Variant type: single nucleotide variant.
Coding change: c.*1024A>G on transcript NM_018325.5 (MANE Select); 1024 bases downstream of the stop codon, A replaced by G.
Molecular consequence: 3 prime UTR variant.
Genome position (GRCh38, 1-based): chr9:27,547,212, T>C on the plus strand (A>G on the coding strand, the complement: C9orf72 is on the minus strand). VCF-style: chr9-27547212-T-C. GRCh37 (hg19) VCF-style: chr9-27547210-T-C.
Other names: c.*1024A>G (NM_001256054.3).
Identifiers: ClinVar variation 366489 (VCV000366489.5), dbSNP rs563194682, ClinGen allele CA10633756.